The following is an entry in ClinVar:

NM_001032283.3(TMPO):c.663+13T>G

Gene: TMPO (thymopoietin; plus strand). Cytogenetic location: 12q23.1.
Variant type: single nucleotide variant.
Coding change: c.663+13T>G on transcript NM_001032283.3 (MANE Select); 13 bases into the intron after coding-DNA position 663, T replaced by G.
Molecular consequence: intron variant.
Genome position (GRCh38, 1-based): chr12:98,537,585, T>G. VCF-style: chr12-98537585-T-G. GRCh37 (hg19) VCF-style: chr12-98931363-T-G.
Other names: c.663+13T>G (NM_001307975.2, NM_001032284.3).
Identifiers: ClinVar variation 179335 (VCV000179335.5), dbSNP rs727504798, ClinGen allele CA184226.
Genomic context (GRCh38, chr12:98,537,585, plus strand): 5'-GCAAAGACTCCAGTAACACTCAAGCAAAGAAGAGTTGAGCACAATCAGGTATCTTTAGTT[T>G]TATTACCACCGTGTACAGGTATAAATAACCTCCTGACAACACTAATCCATGTTTTAGCCT-3'

ClinVar aggregate classification (germline): Likely benign (1 of 4 stars; one submission).

Submission:

Laboratory for Molecular Medicine, Mass General Brigham Personalized Medicine
Classification: Likely benign. Last evaluated: 2013-11-01. Review status: criteria provided, single submitter. Criteria: LMM Criteria. Collection method: clinical testing. Allele origin: germline. Observed: 1 variant allele.
Comment: 633+13T>G in intron 4 of TMPO: This variant is not expected to have clinical sig nificance because it is not located within the splice consensus sequence. 633+1 3T>G in intron 4 of TMPO (allele frequency = n/a)